The following is an entry in ClinVar:

NM_015215.4(CAMTA1):c.2133G>A (p.Gln711=)

Gene: CAMTA1 (calmodulin binding transcription activator 1; plus strand). Cytogenetic location: 1p36.23.
Variant type: single nucleotide variant.
Coding change: c.2133G>A on transcript NM_015215.4 (MANE Select); coding-DNA position 2133, G replaced by A.
Protein change: p.Gln711=; no amino-acid change (glutamine 711 retained).
Molecular consequence: synonymous variant.
Genome position (GRCh38, 1-based): chr1:7,664,680, G>A. VCF-style: chr1-7664680-G-A. GRCh37 (hg19) VCF-style: chr1-7724740-G-A.
Other names: c.2043G>A, p.Gln681= (NM_001349608.2, NM_001349612.2); c.2133G>A, p.Gln711= (NM_001349609.2, NM_001349610.2, NM_001410737.1); c.2061G>A, p.Gln687= (NM_001410738.1).
Identifiers: ClinVar variation 2570710 (VCV002570710.27), dbSNP rs985092672, ClinGen allele CA17245218.

ClinVar aggregate classification (germline): Likely benign (1 of 4 stars; one submission).

Allele frequency attached by ClinVar (database versions not stated): gnomAD exomes below 0.00001; gnomAD 0.00001; TOPMed 0.00001.
gnomAD v4.1: 3 of 1,605,442 alleles (0.00019%); highest among the groups gnomAD compares: South Asian, 0.0022%; no homozygotes.

Submission:

CeGaT Center for Human Genetics Tuebingen
Classification: Likely benign. Last evaluated: 2026-05-01. Review status: criteria provided, single submitter. Criteria: CeGaT Center For Human Genetics Tuebingen Variant Classification Criteria Version 2. Collection method: clinical testing. Allele origin: germline. Affected: yes. Observed: 5 variant alleles.
Comment: CAMTA1: BP4, BP7